The following is an entry in ClinVar:

ClinVar aggregate classification (germline): Uncertain significance (1 of 4 stars; one submission).

Conditions:
Cardiovascular phenotype. Identifiers: MedGen CN230736.

Submission:

Ambry Genetics
Classification: Uncertain significance for Cardiovascular phenotype. Last evaluated: 2024-10-05. Review status: criteria provided, single submitter. Criteria: Ambry Variant Classification Scheme 2023. Collection method: clinical testing. Allele origin: germline.
Comment: The p.M649I variant (also known as c.1947G>T), located in coding exon 12 of the CBL gene, results from a G to T substitution at nucleotide position 1947. The methionine at codon 649 is replaced by isoleucine, an amino acid with highly similar properties. This amino acid position is conserved. In addition, this alteration is predicted to be tolerated by in silico analysis. Based on the available evidence, the clinical significance of this variant remains unclear.

NM_005188.4(CBL):c.1947G>T (p.Met649Ile)

Gene: CBL (Cbl proto-oncogene; plus strand). Cytogenetic location: 11q23.3.
Variant type: single nucleotide variant.
Coding change: c.1947G>T on transcript NM_005188.4 (MANE Select); coding-DNA position 1947, G replaced by T.
Protein change: p.Met649Ile; replaces methionine 649 with isoleucine.
Molecular consequence: missense variant.
Genome position (GRCh38, 1-based): chr11:119,287,857, G>T. VCF-style: chr11-119287857-G-T. GRCh37 (hg19) VCF-style: chr11-119158567-G-T.
Other names: short protein forms M649I.
Identifiers: ClinVar variation 3485592 (VCV003485592.1).